The following is an entry in ClinVar:

ClinVar aggregate classification (germline): Pathogenic (1 of 4 stars; one submission).

Conditions:
Neurofibromatosis, type 1 (NF1). Also called: Peripheral type neurofibromatosis; VON RECKLINGHAUSEN DISEASE; Neurofibromatosis, type I; NEUROFIBROMATOSIS, TYPE I, SOMATIC. Identifiers: Orphanet 636, MedGen C0027831, MONDO:0018975, OMIM 162200. Disease mechanism: loss of function.

Submission:

Labcorp Genetics (formerly Invitae), Labcorp
Classification: Pathogenic for Neurofibromatosis, type 1. Last evaluated: 2024-02-15. Review status: criteria provided, single submitter. Criteria: Invitae Variant Classification Sherloc (09022015). Collection method: clinical testing. Allele origin: germline.
Comment: This sequence change creates a premature translational stop signal (p.Met462Trpfs*11) in the NF1 gene. It is expected to result in an absent or disrupted protein product. Loss-of-function variants in NF1 are known to be pathogenic (PMID: 10712197, 23913538). This variant is not present in population databases (gnomAD no frequency). This variant has not been reported in the literature in individuals affected with NF1-related conditions. For these reasons, this variant has been classified as Pathogenic.

Literature cited by the submitters: PubMed 10712197; PubMed 23913538.

NM_001042492.3(NF1):c.1384del (p.Met462fs)

Gene: NF1 (neurofibromin 1; plus strand). Cytogenetic location: 17q11.2.
Variant type: Deletion.
Coding change: c.1384del on transcript NM_001042492.3 (MANE Select); coding-DNA position 1384, one base deleted (A; older notation c.1384delA).
Protein change: p.Met462fs; shifts the reading frame from methionine 462.
Molecular consequence: frameshift variant.
Genome position (GRCh38, 1-based): chr17:31,206,363, A deleted; the last of 2 consecutive A bases (chr17:31,206,362-31,206,363); deleting either gives the same sequence. VCF-style (leftmost placement, unchanged base first): chr17-31206361-GA-G. GRCh37 (hg19) VCF-style: chr17-29533379-GA-G.
Other names: c.1384delA, p.Met462Trpfs (NM_000267.4); c.1384del, p.Met462fs (NM_001128147.3); short protein forms M462fs.
Identifiers: ClinVar variation 2696365 (VCV002696365.3), dbSNP rs2544811441, ClinGen allele CA2697559710.
Genomic context (GRCh38, chr17:31,206,361, plus strand): 5'-ATATGTTTGGTGAAACACTTCATAAAGCAGTGCAAGGTTGTGGAGCACACCCAGCAATAC[GA>G]ATGGCACCGGTAAGATAAATCACGAATTTTGAATCTCACCTCCTTTCTATTGCATTTTTT-3'